The following is an entry in ClinVar:

ClinVar aggregate classification (germline): Conflicting classifications of pathogenicity. Review status: criteria provided, conflicting classifications (1 of 4 stars). 3 submissions from 3 submitters: Uncertain significance (2); Likely benign (1). Last evaluated 2025-11-27.

Conditions:
Normophosphatemic familial tumoral calcinosis. Also called: CALCINOSIS, TUMORAL, WITH NORMOPHOSPHATEMIA. Identifiers: Orphanet 306658, Orphanet 53715, MedGen C1864861, MONDO:0012502, OMIM 610455.
Monosomy 7 myelodysplasia and leukemia syndrome 2. Identifiers: MedGen C5436668, MONDO:0030801, OMIM 619041.
MIRAGE syndrome. Also called: MYELODYSPLASIA, INFECTION, RESTRICTION OF GROWTH, ADRENAL HYPOPLASIA, GENITAL PHENOTYPES, AND ENTEROPATHY. Identifiers: Orphanet 494433, MedGen C4284088, MONDO:0014888, OMIM 617053.
Inborn genetic diseases. Identifiers: MedGen C0950123, MeSH D030342.

Allele frequency attached by ClinVar (database versions not stated): gnomAD exomes below 0.00001.

Submissions (3):

Labcorp Genetics (formerly Invitae), Labcorp
Classification: Likely benign. Last evaluated: 2025-11-27. Review status: criteria provided, single submitter. Criteria: Invitae Variant Classification Sherloc (09022015). Collection method: clinical testing. Allele origin: germline.

Ambry Genetics
Classification: Uncertain significance for Inborn genetic diseases. Last evaluated: 2025-07-16. Review status: criteria provided, single submitter. Criteria: Ambry Variant Classification Scheme 2023. Collection method: clinical testing. Allele origin: germline.
Comment: The p.M1471I variant (also known as c.4413G>A), located in coding exon 1 of the SAMD9 gene, results from a G to A substitution at nucleotide position 4413. The methionine at codon 1471 is replaced by isoleucine, an amino acid with highly similar properties. This amino acid position is conserved. In addition, this alteration is predicted to be tolerated by in silico analysis. Based on the available evidence, the clinical significance of this variant remains unclear.

Center for Genomics, Ann and Robert H. Lurie Children's Hospital of Chicago
Classification: Uncertain significance for Normophosphatemic familial tumoral calcinosis; Monosomy 7 myelodysplasia and leukemia syndrome 2; MIRAGE syndrome. Review status: criteria provided, single submitter. Criteria: ACMG Guidelines, 2015. Collection method: clinical testing. Allele origin: germline.
Comment: This variant has not been reported in the literature but is present in the Genome Aggregation Database (Highest reported MAF 0.001% [1/67958]). This variant is present in ClinVar (Variation ID:1648073). Evolutionary conservation and computational prediction tools suggest that this variant may not impact the protein. In summary, data on this variant is insufficient for disease classification. Therefore, the clinical significance of this variant is uncertain.

NM_017654.4(SAMD9):c.4413G>A (p.Met1471Ile)

Gene: SAMD9 (sterile alpha motif domain containing 9; minus strand). Cytogenetic location: 7q21.2.
Variant type: single nucleotide variant.
Coding change: c.4413G>A on transcript NM_017654.4 (MANE Select); coding-DNA position 4413, G replaced by A.
Protein change: p.Met1471Ile; replaces methionine 1471 with isoleucine.
Molecular consequence: missense variant.
Genome position (GRCh38, 1-based): chr7:93,101,685, C>T on the plus strand (G>A on the coding strand, the complement: SAMD9 is on the minus strand). VCF-style: chr7-93101685-C-T. GRCh37 (hg19) VCF-style: chr7-92730998-C-T.
Other names: c.4413G>A, p.Met1471Ile (NM_001193307.2); c.4413G>A (NM_017654.3); short protein forms M1471I.
Identifiers: ClinVar variation 1648073 (VCV001648073.11), dbSNP rs978197631, ClinGen allele CA368178956.